The following is an entry in ClinVar:

NM_001159699.2(FHL1):c.298_301dup (p.Asn101fs)

Gene: FHL1 (four and a half LIM domains 1; plus strand). Cytogenetic location: Xq26.3.
Variant type: Duplication.
Coding change: c.298_301dup on transcript NM_001159699.2 (MANE Select); coding-DNA positions 298 to 301, 4 bases duplicated (GACA; older notation c.298_301dupGACA).
Protein change: p.Asn101fs; shifts the reading frame from asparagine 101.
Molecular consequence: frameshift variant. On other transcripts: non-coding transcript variant (1).
Genome position (GRCh38, 1-based): chrX:136,207,109-136,207,112, GACA duplicated. VCF-style (leftmost placement, unchanged base first): chrX-136207108-G-GGACA. GRCh37 (hg19) VCF-style: chrX-135289267-G-GGACA.
Other names: c.250_253dup, p.Asn85fs (NM_001159700.2, NM_001159702.3, NM_001159703.2 and 9 more transcripts); c.337_340dup, p.Asn114fs (NM_001159701.2); c.298_301dup, p.Asn101fs (NM_001330659.2); short protein forms N101fs, N114fs, N85fs.
Identifiers: ClinVar variation 3221688 (VCV003221688.1), dbSNP rs2521264630, ClinGen allele CA2825002927.

ClinVar aggregate classification (germline): Pathogenic (1 of 4 stars; one submission).

Conditions:
Cardiovascular phenotype. Identifiers: MedGen CN230736.

Submission:

Ambry Genetics
Classification: Pathogenic for Cardiovascular phenotype. Last evaluated: 2023-12-27. Review status: criteria provided, single submitter. Criteria: Ambry Variant Classification Scheme 2023. Collection method: clinical testing. Allele origin: germline.
Comment: The c.250_253dupGACA pathogenic mutation, located in coding exon 2 of the FHL1 gene, results from a duplication of GACA at nucleotide position 250, causing a translational frameshift with a predicted alternate stop codon (p.N85Rfs*47). This variant is considered to be rare based on population cohorts in the Genome Aggregation Database (gnomAD). This alteration is expected to result in loss of function by premature protein truncation or nonsense-mediated mRNA decay. Based on the supporting evidence, this variant is expected to be causative of FHL1-related myopathy with hypertrophy; however, its clinical significance for reducing body myopathy is unclear.